The following is an entry in ClinVar:

NM_000094.4(COL7A1):c.3975+11C>T

Gene: COL7A1 (collagen type VII alpha 1 chain; minus strand). Cytogenetic location: 3p21.31.
Variant type: single nucleotide variant.
Coding change: c.3975+11C>T on transcript NM_000094.4 (MANE Select); 11 bases into the intron after coding-DNA position 3975, C replaced by T.
Molecular consequence: intron variant.
Genome position (GRCh38, 1-based): chr3:48,585,025, G>A on the plus strand (C>T on the coding strand, the complement: COL7A1 is on the minus strand). VCF-style: chr3-48585025-G-A. GRCh37 (hg19) VCF-style: chr3-48622458-G-A.
Identifiers: ClinVar variation 345853 (VCV000345853.19), dbSNP rs7637885, ClinGen allele CA2380312.
Genomic context (GRCh38, chr3:48,585,025, plus strand): 5'-GCAGAACAGTCGGAGCCACCCCACCCACTCAGGCAGCGCCCACCCTGACCTGCAGGACAA[G>A]GCTTGCTCACCTTTAGGCCAGGGGCTCCAGGGGTCCCAGGATTCCCGGCGCGGCCAGGGC-3'

ClinVar aggregate classification (germline): Benign. Review status: criteria provided, multiple submitters, no conflicts (2 of 4 stars). 6 submissions from 6 submitters: Benign (3). 3 of the submissions do not count toward it. Last evaluated 2026-01-31.

Conditions:
Epidermolysis bullosa dystrophica. Also called: Dystrophic epidermolysis bullosa, Hallopeau-Siemens type (formerly); Dystrophic epidermolysis bullosa. Identifiers: Orphanet 303, MedGen C0079294, MONDO:0006543.

Allele frequency attached by ClinVar (database versions not stated): gnomAD exomes 0.00160 and 0.00418; ExAC 0.00539; gnomAD 0.01611 and 0.01719; 1000 Genomes Project 0.01677; 1000 Genomes Project 30x 0.01749; TOPMed 0.01881; ESP Exome Variant Server 0.01953.
gnomAD v4.1: 4,935 of 1,613,488 alleles (0.31%); highest among the groups gnomAD compares: African/African-American, 5.6%; 120 homozygotes.

Submissions (6):

Labcorp Genetics (formerly Invitae), Labcorp
Classification: Benign. Last evaluated: 2026-01-31. Review status: criteria provided, single submitter. Criteria: Invitae Variant Classification Sherloc (09022015). Collection method: clinical testing. Allele origin: germline.

Illumina Laboratory Services, Illumina
Classification: Benign for Dystrophic epidermolysis bullosa. Last evaluated: 2018-01-13. Review status: criteria provided, single submitter. Criteria: ICSL Variant Classification Criteria 13 December 2019. Collection method: clinical testing. Allele origin: germline.
Comment: This variant was observed in the ICSL laboratory as part of a predisposition screen in an ostensibly healthy population. It had not been previously curated by ICSL or reported in the Human Gene Mutation Database (HGMD: prior to June 1st, 2018), and was therefore a candidate for classification through an automated scoring system. Utilizing variant allele frequency, disease prevalence and penetrance estimates, and inheritance mode, an automated score was calculated to assess if this variant is too frequent to cause the disease. Based on the score and internal cut-off values, a variant classified as benign is not then subjected to further curation. The score for this variant resulted in a classification of benign for this disease.

Breakthrough Genomics
Classification: Benign. Review status: criteria provided, single submitter. Criteria: ACMG Guidelines, 2015. Collection method: not provided. Allele origin: germline. Inheritance: Autosomal recessive inheritance. Affected: yes.

Natera, Inc.
Classification: Benign for Dystrophic epidermolysis bullosa. Last evaluated: 2019-09-14. Review status: no assertion criteria provided. Collection method: clinical testing. Allele origin: germline. Not counted in ClinVar's aggregate classification.

Genome Diagnostics Laboratory, Amsterdam University Medical Center
Classification: Benign. Review status: no assertion criteria provided. Collection method: clinical testing. Allele origin: germline. Affected: yes. Study: VKGL Data-share Consensus. Not counted in ClinVar's aggregate classification.

Joint Genome Diagnostic Labs from Nijmegen and Maastricht, Radboudumc and MUMC+
Classification: Benign. Review status: no assertion criteria provided. Collection method: clinical testing. Allele origin: germline. Affected: yes. Study: VKGL Data-share Consensus. Not counted in ClinVar's aggregate classification.